The following is an entry in ClinVar:

NM_000291.4(PGK1):c.925G>A (p.Ala309Thr)

Gene: PGK1 (phosphoglycerate kinase 1; plus strand). Cytogenetic location: Xq21.1.
Variant type: single nucleotide variant.
Coding change: c.925G>A on transcript NM_000291.4 (MANE Select); coding-DNA position 925, G replaced by A.
Protein change: p.Ala309Thr; replaces alanine 309 with threonine.
Molecular consequence: missense variant.
Genome position (GRCh38, 1-based): chrX:78,123,363, G>A. VCF-style: chrX-78123363-G-A. GRCh37 (hg19) VCF-style: chrX-77378860-G-A.
Other names: short protein forms A309T.
Identifiers: ClinVar variation 3656627 (VCV003656627.2).

ClinVar aggregate classification (germline): Uncertain significance (1 of 4 stars; one submission).

Submission:

Labcorp Genetics (formerly Invitae), Labcorp
Classification: Uncertain significance. Last evaluated: 2024-06-13. Review status: criteria provided, single submitter. Criteria: Invitae Variant Classification Sherloc (09022015). Collection method: clinical testing. Allele origin: germline.
Comment: This sequence change replaces alanine, which is neutral and non-polar, with threonine, which is neutral and polar, at codon 309 of the PGK1 protein (p.Ala309Thr). This variant is not present in population databases (gnomAD no frequency). This variant has not been reported in the literature in individuals affected with PGK1-related conditions. Advanced modeling of protein sequence and biophysical properties (such as structural, functional, and spatial information, amino acid conservation, physicochemical variation, residue mobility, and thermodynamic stability) performed at Invitae indicates that this missense variant is not expected to disrupt PGK1 protein function with a negative predictive value of 80%. In summary, the available evidence is currently insufficient to determine the role of this variant in disease. Therefore, it has been classified as a Variant of Uncertain Significance.